The following is an entry in ClinVar:

ClinVar aggregate classification (germline): Uncertain significance (1 of 4 stars; one submission).

Submission:

GeneDx
Classification: Uncertain significance. Last evaluated: 2022-12-21. Review status: criteria provided, single submitter. Criteria: GeneDx Variant Classification Process June 2021. Collection method: clinical testing. Allele origin: germline. Affected: yes.
Comment: Frameshift variant predicted to result in protein truncation as the last 30 amino acids are replaced with 12 different amino acids.; Not observed at significant frequency in large population cohorts (gnomAD); Has not been previously published as pathogenic or benign to our knowledge

NM_004463.3(FGD1):c.2794_2797del (p.Ser932fs)

Genes: FGD1 (FYVE, RhoGEF and PH domain containing 1; minus strand), TSR2 (TSR2 ribosome maturation factor; plus strand). Cytogenetic location: Xp11.22.
Variant type: Deletion.
Coding change: c.2794_2797del on transcript NM_004463.3 (MANE Select); coding-DNA positions 2794 to 2797, 4 bases deleted (TCTG; older notation c.2794_2797delTCTG).
Protein change: p.Ser932fs; shifts the reading frame from serine 932.
Molecular consequence: frameshift variant. On other transcripts: 3 prime UTR variant (5).
Genome position (GRCh38, 1-based): chrX:54,446,198-54,446,201, CAGA deleted on the plus strand (TCTG on the coding strand, the reverse complement: FGD1 is on the minus strand); deleting any 4 consecutive bases within chrX:54,446,198-54,446,204 gives the same sequence; the c. name uses the placement nearest the transcript's 3' end. VCF-style (leftmost placement, unchanged base first): chrX-54446197-TCAGA-T. GRCh37 (hg19) VCF-style: chrX-54472630-TCAGA-T.
Other names: c.*1651_*1654del (NM_001346789.2, NM_001346790.2, NM_001346791.2 and 2 more transcripts); short protein forms S932fs.
Identifiers: ClinVar variation 2506596 (VCV002506596.1), dbSNP rs2522683830, ClinGen allele CA2580612331.